The following is an entry in ClinVar:

ClinVar aggregate classification (germline): Pathogenic (1 of 4 stars; one submission).

Conditions:
Hereditary nonpolyposis colorectal neoplasms. Identifiers: MedGen C0009405, MeSH D003123.

Submission:

Labcorp Genetics (formerly Invitae), Labcorp
Classification: Pathogenic for Hereditary nonpolyposis colorectal neoplasms. Last evaluated: 2017-06-24. Review status: criteria provided, single submitter. Criteria: Invitae Variant Classification Sherloc (09022015). Collection method: clinical testing. Allele origin: germline.
Comment: This sequence change affects the initiator methionine of the PMS2 mRNA. The next in-frame methionine is located at codon 136. This variant is present in population databases (rs587780059, ExAC 0.003%). This variant has been reported in individuals with colorectal cancer (PMID: 25559809) and breast and/or ovarian cancer (PMID: 26898890), as well as in an individual with constitutional mismatch-repair deficiency syndrome who also carried a second pathogenic PMS2 variant (PMID: 27476653). ClinVar contains an entry for this variant (Variation ID: 182809). This variant is expected to result in an absent or disrupted protein product. If translation initiation is rescued by the downstream methionine at codon 136, this would result in the partial disruption of the ATPase domain, which is important for the mismatch repair activity of the PMS2 protein (PMID: 11574484, 11897781). However, functional studies have not been published for this variant. A different change (c.1A>G) at the initiator codon has been reported in individuals with colorectal and endometrial cancer (PMID: 20487569, 23709753), and individuals with a personal history consistent with constitutional mismatch repair deficiency syndrome who also carried a second pathogenic PMS2 variant (PMID: 18602922). The c.1A>G variant has been determined to be pathogenic, suggesting that other substitutions at this position may also be pathogenic. For these reason, this variant has been classified as Pathogenic.

Literature cited by the submitters: PubMed 25559809; PubMed 26898890; PubMed 27476653; PubMed 11574484; PubMed 11897781; PubMed 20487569; PubMed 23709753; PubMed 18602922.

NM_000535.7(PMS2):c.2_3delinsA (p.Met1fs)

Gene: PMS2 (PMS1 homolog 2, mismatch repair system component; minus strand). Cytogenetic location: 7p22.1.
Variant type: Indel.
Coding change: c.2_3delinsA on transcript NM_000535.7 (MANE Select); coding-DNA positions 2 to 3, TG replaced by A.
Protein change: p.Met1fs; shifts the reading frame from methionine 1.
Molecular consequence: frameshift variant, initiator codon variant. On other transcripts: 5 prime UTR variant (11), non-coding transcript variant (1).
Genome position (GRCh38, 1-based): chr7:6,009,017-6,009,018, CA replaced by T on the plus strand (TG replaced by A on the coding strand, the reverse complement: PMS2 is on the minus strand). VCF-style: chr7-6009017-CA-T. GRCh37 (hg19) VCF-style: chr7-6048648-CA-T.
Other names: c.-399_-398delinsA (NM_001322003.2, NM_001322013.2); c.-264_-263delinsA (NM_001322004.2, NM_001322010.2); c.-594_-593delinsA (NM_001322005.2); c.2_3delinsA, p.Met1fs (NM_001322006.2, NM_001322014.2); c.-214_-213delinsA (NM_001322007.2); c.-74_-73delinsA (NM_001322008.2); c.-589_-588delinsA (NM_001322009.2); c.-883_-882delinsA (NM_001322011.2); and 2 more; short protein forms M1fs.
Identifiers: ClinVar variation 3010817 (VCV003010817.3), dbSNP rs2536709031, ClinGen allele CA2740097304.
Genomic context (GRCh38, chr7:6,009,017, plus strand): 5'-GCGCGAGAGGGGACACCGGAAGACTGCGAGCCCCGCTCACCTCGAGCTCTCAGCTCGCTC[CA>T]TGGATGCAACACCCGATCCGCCTCGGGGACTGGGAAAGTTCCCTCCAGGGCTCCCACAGG-3'